The following is an entry in ClinVar:

NM_022047.4(DEF6):c.661-9G>A

Gene: DEF6 (DEF6 guanine nucleotide exchange factor; plus strand). Cytogenetic location: 6p21.31.
Variant type: single nucleotide variant.
Coding change: c.661-9G>A on transcript NM_022047.4 (MANE Select); 9 bases into the intron before coding-DNA position 661, G replaced by A.
Molecular consequence: intron variant.
Genome position (GRCh38, 1-based): chr6:35,312,617, G>A. VCF-style: chr6-35312617-G-A. GRCh37 (hg19) VCF-style: chr6-35280394-G-A.
Identifiers: ClinVar variation 1986465 (VCV001986465.1), dbSNP rs1194178045, ClinGen allele CA566478252.

ClinVar aggregate classification (germline): Uncertain significance (1 of 4 stars; one submission).

Allele frequency attached by ClinVar (database versions not stated): gnomAD 0.00001; TOPMed 0.00002.
gnomAD v4.1: 23 of 1,614,100 alleles (0.0014%); highest among the groups gnomAD compares: Admixed American, 0.0033%; no homozygotes.

Submission:

Labcorp Genetics (formerly Invitae), Labcorp
Classification: Uncertain significance. Last evaluated: 2022-05-28. Review status: criteria provided, single submitter. Criteria: Invitae Variant Classification Sherloc (09022015). Collection method: clinical testing. Allele origin: germline.
Comment: This sequence change falls in intron 4 of the DEF6 gene. It does not directly change the encoded amino acid sequence of the DEF6 protein. This variant is present in population databases (no rsID available, gnomAD 0.008%). This variant has not been reported in the literature in individuals affected with DEF6-related conditions. Algorithms developed to predict the effect of sequence changes on RNA splicing suggest that this variant may disrupt the consensus splice site. In summary, the available evidence is currently insufficient to determine the role of this variant in disease. Therefore, it has been classified as a Variant of Uncertain Significance.